The following is an entry in ClinVar:

ClinVar aggregate classification (germline): Uncertain significance. Review status: criteria provided, multiple submitters, no conflicts (2 of 4 stars). 3 submissions from 3 submitters: Uncertain significance (3). Last evaluated 2026-01-02.

Conditions:
Emery-Dreifuss muscular dystrophy 5, autosomal dominant (EDMD5). Also called: EMERY-DREIFUSS MUSCULAR DYSTROPHY 5. Identifiers: Orphanet 261, MedGen C2751805, MONDO:0013072, OMIM 612999.

Allele frequency attached by ClinVar (database versions not stated): ExAC 0.00002; gnomAD exomes 0.00002 and 0.00005; gnomAD 0.00005 and 0.00006; TOPMed 0.00007.
gnomAD v4.1: 80 of 1,614,034 alleles (0.005%); highest among the groups gnomAD compares: Non-Finnish European, 0.0058%; no homozygotes.

Submissions (3):

Labcorp Genetics (formerly Invitae), Labcorp
Classification: Uncertain significance for Emery-Dreifuss muscular dystrophy 5, autosomal dominant. Last evaluated: 2026-01-02. Review status: criteria provided, single submitter. Criteria: Invitae Variant Classification Sherloc (09022015). Collection method: clinical testing. Allele origin: germline.
Comment: This sequence change replaces glutamic acid, which is acidic and polar, with lysine, which is basic and polar, at codon 5842 of the SYNE2 protein (p.Glu5842Lys). This variant is present in population databases (rs769564739, gnomAD 0.004%). This variant has not been reported in the literature in individuals affected with SYNE2-related conditions. ClinVar contains an entry for this variant (Variation ID: 313632). An algorithm developed to predict the effect of missense changes on protein structure and function outputs the following: PolyPhen-2: "Possibly Damaging". The lysine amino acid residue is found in multiple mammalian species, which suggests that this missense change does not adversely affect protein function. In summary, the available evidence is currently insufficient to determine the role of this variant in disease. Therefore, it has been classified as a Variant of Uncertain Significance.

Revvity Omics, Revvity
Classification: Uncertain significance for Emery-Dreifuss muscular dystrophy 5, autosomal dominant. Last evaluated: 2024-10-17. Review status: criteria provided, single submitter. Criteria: ACMG Guidelines, 2015. Collection method: clinical testing. Allele origin: germline.

Illumina Laboratory Services, Illumina
Classification: Uncertain significance for Emery-Dreifuss muscular dystrophy 5, autosomal dominant. Last evaluated: 2018-01-12. Review status: criteria provided, single submitter. Criteria: ICSL Variant Classification Criteria 13 December 2019. Collection method: clinical testing. Allele origin: germline.

NM_182914.3(SYNE2):c.17524G>A (p.Glu5842Lys)

Gene: SYNE2 (spectrin repeat containing nuclear envelope protein 2; plus strand). Cytogenetic location: 14q23.2.
Variant type: single nucleotide variant.
Coding change: c.17524G>A on transcript NM_182914.3 (MANE Select); coding-DNA position 17524, G replaced by A.
Protein change: p.Glu5842Lys; replaces glutamic acid 5842 with lysine.
Molecular consequence: missense variant.
Genome position (GRCh38, 1-based): chr14:64,177,451, G>A. VCF-style: chr14-64177451-G-A. GRCh37 (hg19) VCF-style: chr14-64644169-G-A.
Other names: c.17524G>A, p.Glu5842Lys (NM_015180.6); short protein forms E5842K.
Identifiers: ClinVar variation 313632 (VCV000313632.13), dbSNP rs769564739, ClinGen allele CA7223729.